The following is an entry in ClinVar:

NM_001114753.3(ENG):c.688G>A (p.Gly230Arg)

Gene: ENG (endoglin; minus strand). Cytogenetic location: 9q34.11.
Variant type: single nucleotide variant.
Coding change: c.688G>A on transcript NM_001114753.3 (MANE Select); coding-DNA position 688, G replaced by A.
Protein change: p.Gly230Arg; replaces glycine 230 with arginine.
Molecular consequence: missense variant.
Genome position (GRCh38, 1-based): chr9:127,825,696, C>T on the plus strand (G>A on the coding strand, the complement: ENG is on the minus strand). VCF-style: chr9-127825696-C-T. GRCh37 (hg19) VCF-style: chr9-130587975-C-T.
Other names: c.688G>A, p.Gly230Arg (NM_000118.4, NM_001406715.1); c.142G>A, p.Gly48Arg (NM_001278138.2); short protein forms G230R, G48R.
Identifiers: ClinVar variation 1046434 (VCV001046434.9), dbSNP rs546671241, ClinGen allele CA5253049.

ClinVar aggregate classification (germline): Uncertain significance (1 of 4 stars; one submission).

Conditions:
Hereditary hemorrhagic telangiectasia (HHT). Also called: Osler hemorrhagic telangiectasia syndrome; ORW DISEASE; Osler Weber Rendu syndrome; OSLER-RENDU-WEBER DISEASE. Identifiers: Orphanet 774, MedGen C0039445, MONDO:0019180. Disease mechanism: loss of function.

Allele frequency attached by ClinVar (database versions not stated): TOPMed 0.00002; ExAC 0.00013; 1000 Genomes Project 0.00040; 1000 Genomes Project 30x 0.00047.
gnomAD v4.1: 26 of 1,580,484 alleles (0.0016%); highest among the groups gnomAD compares: East Asian, 0.009%; no homozygotes.

Submission:

Labcorp Genetics (formerly Invitae), Labcorp
Classification: Uncertain significance for Hereditary hemorrhagic telangiectasia. Last evaluated: 2025-06-03. Review status: criteria provided, single submitter. Criteria: Invitae Variant Classification Sherloc (09022015). Collection method: clinical testing. Allele origin: germline.
Comment: This sequence change replaces glycine, which is neutral and non-polar, with arginine, which is basic and polar, at codon 230 of the ENG protein (p.Gly230Arg). This variant is present in population databases (rs546671241, gnomAD 0.01%). This missense change has been observed in individual(s) with nosebleed (PMID: 25312062). ClinVar contains an entry for this variant (Variation ID: 1046434). An algorithm developed to predict the effect of missense changes on protein structure and function outputs the following: PolyPhen-2: "Benign". The arginine amino acid residue is found in multiple mammalian species, which suggests that this missense change does not adversely affect protein function. Experimental studies have shown that this missense change does not substantially affect ENG function (PMID: 25312062). In summary, the available evidence is currently insufficient to determine the role of this variant in disease. Therefore, it has been classified as a Variant of Uncertain Significance.

Literature cited by the submitters: PubMed 25312062.